The following is an entry in ClinVar:

ClinVar aggregate classification (germline): Pathogenic. Review status: criteria provided, multiple submitters, no conflicts (2 of 4 stars). 11 submissions from 11 submitters: Pathogenic (11). Last evaluated 2025-06-10.

Conditions:
PAX6-related disorder. Also called: PAX6-related disorders; PAX6-related condition.
Irido-corneo-trabecular dysgenesis (ASGD5). Also called: ANTERIOR SEGMENT DYSGENESIS 5. Identifiers: Orphanet 708, MedGen C0344559, MONDO:0011414, OMIM 604229, HP:0000659.
Aniridia 1 (AN1). Identifiers: Orphanet 250923, MedGen C0344542, MONDO:0024507, OMIM 106210.

Submissions (11):

GeneDx
Classification: Pathogenic. Last evaluated: 2025-06-10. Review status: criteria provided, single submitter. Criteria: GeneDx Variant Classification Process June 2021. Collection method: clinical testing. Allele origin: germline. Affected: yes.
Comment: Canonical splice site variant predicted to result in an in-frame loss of the adjacent exon in a gene for which loss of function is a known mechanism of disease; Not observed at significant frequency in large population cohorts (gnomAD); This variant is associated with the following publications: (PMID: 16712695, 19218613, 26661695, 25525159, 10234503, 23761016, 12552561, 32360764, 34101622, 34942114, 38002984, 38459225, 39212610, 38219857, 33782094, 8364574, 9138149, 36729443)

Blueprint Genetics
Classification: Pathogenic for PAX6-related disorders. Last evaluated: 2023-11-08. Review status: criteria provided, single submitter. Criteria: ACMG Guidelines, 2015. Collection method: clinical testing. Allele origin: germline. Affected: yes. Observed: 4 variant alleles.

3billion
Classification: Pathogenic for Aniridia 1. Last evaluated: 2023-09-18. Review status: criteria provided, single submitter. Criteria: ACMG Guidelines, 2015. Collection method: clinical testing. Allele origin: germline. Affected: yes.
Comment: The variant is not observed in the gnomAD v2.1.1 dataset. Predicted Consequence/Location: Canonical splice site: predicted to alter splicing and result in a loss or disruption of normal protein function. Multiple pathogenic loss-of-function variants are reported downstream of the variant. The variant has been reported at least twice as pathogenic with clinical assertions and evidence for the classification (ClinVar ID: VCV000092758 /PMID: 8364574). Therefore, this variant is classified as Pathogenic according to the recommendation of ACMG/AMP guideline.

Labcorp Genetics (formerly Invitae), Labcorp
Classification: Pathogenic for Aniridia 1; Irido-corneo-trabecular dysgenesis. Last evaluated: 2023-05-15. Review status: criteria provided, single submitter. Criteria: Invitae Variant Classification Sherloc (09022015). Collection method: clinical testing. Allele origin: germline.
Comment: For these reasons, this variant has been classified as Pathogenic. Algorithms developed to predict the effect of sequence changes on RNA splicing suggest that this variant may disrupt the consensus splice site. ClinVar contains an entry for this variant (Variation ID: 92758). This sequence change affects a donor splice site in intron 6 of the PAX6 gene. It is expected to disrupt RNA splicing. Variants that disrupt the donor or acceptor splice site typically lead to a loss of protein function (PMID: 16199547), and loss-of-function variants in PAX6 are known to be pathogenic (PMID: 12634864). Disruption of this splice site has been observed in individual(s) with aniridia (PMID: 8364574, 26661695). This variant is not present in population databases (gnomAD no frequency).

PreventionGenetics, part of Exact Sciences
Classification: Pathogenic for PAX6-related condition. Last evaluated: 2022-11-16. Review status: criteria provided, single submitter. Criteria: ACMG Guidelines, 2015. Collection method: clinical testing. Allele origin: germline.
Comment: The PAX6 c.399+1G>A variant is predicted to disrupt the GT donor site and interfere with normal splicing. This variant has been reported as causative for aniridia and in some cases was found to arise de novo (Figure 3b in Hanson et al. 1993. PubMed ID: 8364574; reported as c.357+1G>A in Cross et al. 2020. PubMed ID: 32360764; Table S1 in Kit et al. 2021. PubMed ID: 34101622). This variant has not been reported in a large population database, indicating this variant is rare. Variants that disrupt the consensus splice donor site in PAX6 are expected to be pathogenic, and this variant has been classified as pathogenic by multiple independent submitters to the ClinVar database. Given all the evidence, we interpret c.399+1G>A as pathogenic.

Laboratory of Medical Genetics, National & Kapodistrian University of Athens
Classification: Pathogenic for Aniridia 1. Last evaluated: 2021-08-10. Review status: criteria provided, single submitter. Criteria: ACMG Guidelines, 2015. Collection method: clinical testing. Allele origin: unknown. Affected: yes.
Comment: PVS1, PM2, PP3, PP5

Institute of Medical Genetics and Applied Genomics, University Hospital Tübingen
Classification: Pathogenic. Last evaluated: 2020-10-23. Review status: criteria provided, single submitter. Criteria: ACMG Guidelines, 2015. Collection method: clinical testing. Allele origin: germline. Inheritance: Unknown mechanism. Affected: yes.

Wessex Regional Genetics Laboratory, Salisbury District Hospital
Classification: Pathogenic for Aniridia 1. Last evaluated: 2019-08-15. Review status: criteria provided, single submitter. Criteria: ACMG Guidelines, 2015. Collection method: clinical testing. Allele origin: de novo, unknown, inherited. Inheritance: Autosomal dominant inheritance. Affected: yes. Observed: 6 variant alleles.

CeGaT Center for Human Genetics Tuebingen
Classification: Pathogenic. Last evaluated: 2018-02-01. Review status: criteria provided, single submitter. Criteria: CeGaT Center For Human Genetics Tuebingen Variant Classification Criteria Version 2. Collection method: clinical testing. Allele origin: germline. Affected: yes. Observed: 1 variant allele.

Eurofins Ntd Llc (ga)
Classification: Pathogenic. Last evaluated: 2013-09-04. Review status: criteria provided, single submitter. Criteria: EGL Classification Definitions. Collection method: clinical testing. Allele origin: germline. Observed: 2 variant alleles, 2 heterozygotes.

Juno Genomics, Hangzhou Juno Genomics, Inc
Classification: Pathogenic for Aniridia 1. Review status: criteria provided, single submitter. Criteria: ACMG Guidelines, 2015. Collection method: clinical testing. Allele origin: germline. Affected: yes.
Comment: Absent from controls (or at extremely low frequency if recessive) in Genome Aggregation Database.;Null variant in a gene where loss of function (LOF) is a known mechanism of disease.;The prevalence of the variant in affected individuals is significantly increased compared to the prevalence in controls.;Patient's phenotype or family history is highly specific for a disease with a single genetic etiology.;Assumed de novo, but without confirmation of paternity and maternity.

Literature cited by the submitters: PubMed 8364574 (cited by 3billion and Labcorp Genetics (formerly Invitae), Labcorp); PubMed 16199547 (cited by Labcorp Genetics (formerly Invitae), Labcorp); PubMed 12634864 (cited by Labcorp Genetics (formerly Invitae), Labcorp); PubMed 26661695 (cited by Labcorp Genetics (formerly Invitae), Labcorp).

NM_001368894.2(PAX6):c.399+1G>A

Gene: PAX6 (paired box 6; minus strand). Cytogenetic location: 11p13.
Variant type: single nucleotide variant.
Coding change: c.399+1G>A on transcript NM_001368894.2 (MANE Select); the canonical splice donor site of the intron after coding-DNA position 399, G replaced by A.
Molecular consequence: splice donor variant. On other transcripts: intron variant (8), 5 prime UTR variant (3).
Genome position (GRCh38, 1-based): chr11:31,801,560, C>T on the plus strand (G>A on the coding strand, the complement: PAX6 is on the minus strand). VCF-style: chr11-31801560-C-T. GRCh37 (hg19) VCF-style: chr11-31823108-C-T.
Other names: c.-52+1G>A (NM_001368900.2, NM_001368907.2, NM_001368929.2 and 8 more transcripts); c.357+1G>A (NM_001310159.1, NM_001368890.2, NM_001368888.2 and 10 more transcripts); c.399+1G>A (NM_001258462.3, NM_001310158.2, NM_001258463.2 and 7 more transcripts); c.474+1G>A (NM_001368919.2, NM_001368918.2); c.198+202G>A (NM_001368926.2, NM_001368927.2, NM_001368922.2 and 4 more transcripts); c.600+1G>A (NM_001368910.2); c.402+1G>A (NM_001368911.2); c.156+202G>A (NM_001368928.2); and 2 more.
Identifiers: ClinVar variation 92758 (VCV000092758.58), dbSNP rs398123295, ClinGen allele CA220594.